The following is an entry in ClinVar:

ClinVar aggregate classification (germline): Uncertain significance (1 of 4 stars; one submission).

Conditions:
T-cell immunodeficiency, congenital alopecia, and nail dystrophy. Also called: Congenital alopecia and nail dystrophy associated with severe functional T-cell immunodeficiency; Pignata Guarino syndrome. Identifiers: Orphanet 169095, MedGen C1866426, MONDO:0011132, OMIM 601705.

Allele frequency attached by ClinVar (database versions not stated): gnomAD exomes below 0.00001; TOPMed 0.00001.
gnomAD v4.1: 2 of 1,613,738 alleles (0.00012%); highest among the groups gnomAD compares: Admixed American, 0.0033%; no homozygotes.

Submission:

Labcorp Genetics (formerly Invitae), Labcorp
Classification: Uncertain significance for T-cell immunodeficiency, congenital alopecia, and nail dystrophy. Last evaluated: 2024-06-02. Review status: criteria provided, single submitter. Criteria: Invitae Variant Classification Sherloc (09022015). Collection method: clinical testing. Allele origin: germline.
Comment: This sequence change replaces proline, which is neutral and non-polar, with serine, which is neutral and polar, at codon 162 of the FOXN1 protein (p.Pro162Ser). This variant is present in population databases (no rsID available, gnomAD 0.003%). This variant has not been reported in the literature in individuals affected with FOXN1-related conditions. ClinVar contains an entry for this variant (Variation ID: 2417440). Advanced modeling of protein sequence and biophysical properties (such as structural, functional, and spatial information, amino acid conservation, physicochemical variation, residue mobility, and thermodynamic stability) performed at Invitae indicates that this missense variant is not expected to disrupt FOXN1 protein function with a negative predictive value of 80%. In summary, the available evidence is currently insufficient to determine the role of this variant in disease. Therefore, it has been classified as a Variant of Uncertain Significance.

NM_001369369.1(FOXN1):c.484C>T (p.Pro162Ser)

Gene: FOXN1 (forkhead box N1; plus strand). Cytogenetic location: 17q11.2.
Variant type: single nucleotide variant.
Coding change: c.484C>T on transcript NM_001369369.1 (MANE Select); coding-DNA position 484, C replaced by T.
Protein change: p.Pro162Ser; replaces proline 162 with serine.
Molecular consequence: missense variant.
Genome position (GRCh38, 1-based): chr17:28,524,863, C>T. VCF-style: chr17-28524863-C-T. GRCh37 (hg19) VCF-style: chr17-26851881-C-T.
Other names: c.484C>T, p.Pro162Ser (NM_003593.3); short protein forms P162S.
Identifiers: ClinVar variation 2417440 (VCV002417440.7), dbSNP rs938510836, ClinGen allele CA289116420.
Genomic context (GRCh38, chr17:28,524,863, plus strand): 5'-CTGGCCCTCAAAGGACACTCCTTTAAGACCCCAGGGCCGCTGGAGGCCTTCGAGGAGATC[C>T]CAGTGGACGTGGCGGAGGCCGAGGCCTTCCTGCCTGGCTTCTCAGCAGAGGCCTGGTGTA-3'
Protein context (NP_001356298.1, residues 152-172): PGPLEAFEEI[Pro162Ser]VDVAEAEAFL